The following is an entry in ClinVar:

ClinVar aggregate classification (germline): Uncertain significance (1 of 4 stars; one submission).

Submission:

Labcorp Genetics (formerly Invitae), Labcorp
Classification: Uncertain significance. Last evaluated: 2022-10-05. Review status: criteria provided, single submitter. Criteria: Invitae Variant Classification Sherloc (09022015). Collection method: clinical testing. Allele origin: germline.
Comment: This sequence change replaces leucine, which is neutral and non-polar, with proline, which is neutral and non-polar, at codon 33 of the FCHO1 protein (p.Leu33Pro). This variant is not present in population databases (gnomAD no frequency). This variant has not been reported in the literature in individuals affected with FCHO1-related conditions. ClinVar contains an entry for this variant (Variation ID: 1393176). Algorithms developed to predict the effect of missense changes on protein structure and function (SIFT, PolyPhen-2, Align-GVGD) all suggest that this variant is likely to be disruptive. In summary, the available evidence is currently insufficient to determine the role of this variant in disease. Therefore, it has been classified as a Variant of Uncertain Significance.

NM_015122.3(FCHO1):c.98T>C (p.Leu33Pro)

Gene: FCHO1 (FCH and mu domain containing endocytic adaptor 1; plus strand). Cytogenetic location: 19p13.11.
Variant type: single nucleotide variant.
Coding change: c.98T>C on transcript NM_015122.3 (MANE Select); coding-DNA position 98, T replaced by C.
Protein change: p.Leu33Pro; replaces leucine 33 with proline.
Molecular consequence: missense variant. On other transcripts: 5 prime UTR variant (6), non-coding transcript variant (36).
Genome position (GRCh38, 1-based): chr19:17,762,832, T>C. VCF-style: chr19-17762832-T-C. GRCh37 (hg19) VCF-style: chr19-17873641-T-C.
Other names: c.98T>C, p.Leu33Pro (NM_001384389.1, NM_001384400.1, NM_001384401.1 and 30 more transcripts); c.-53T>C (NM_001384406.1, NM_001384407.1, NM_001161359.2 and 3 more transcripts); short protein forms L33P.
Identifiers: ClinVar variation 1393176 (VCV001393176.6), dbSNP rs2146592298, ClinGen allele CA404747844.